The following is an entry in ClinVar:

ClinVar aggregate classification (germline): Pathogenic (1 of 4 stars; one submission).

Submission:

Labcorp Genetics (formerly Invitae), Labcorp
Classification: Pathogenic. Last evaluated: 2023-05-19. Review status: criteria provided, single submitter. Criteria: Invitae Variant Classification Sherloc (09022015). Collection method: clinical testing. Allele origin: germline.
Comment: For these reasons, this variant has been classified as Pathogenic. This variant has not been reported in the literature in individuals affected with DLL3-related conditions. This variant is not present in population databases (gnomAD no frequency). This sequence change creates a premature translational stop signal (p.Gly262Alafs*50) in the DLL3 gene. It is expected to result in an absent or disrupted protein product. Loss-of-function variants in DLL3 are known to be pathogenic (PMID: 12746394).

Literature cited by the submitters: PubMed 12746394.

NM_203486.3(DLL3):c.785del (p.Gly262fs)

Gene: DLL3 (delta like canonical Notch ligand 3; plus strand). Cytogenetic location: 19q13.2.
Variant type: Deletion.
Coding change: c.785del on transcript NM_203486.3 (MANE Select); coding-DNA position 785, one base deleted (G; older notation c.785delG).
Protein change: p.Gly262fs; shifts the reading frame from glycine 262.
Molecular consequence: frameshift variant.
Genome position (GRCh38, 1-based): chr19:39,504,203, G deleted; the last of 4 consecutive G bases (chr19:39,504,200-39,504,203); deleting any one gives the same sequence. VCF-style (leftmost placement, unchanged base first): chr19-39504199-AG-A. GRCh37 (hg19) VCF-style: chr19-39994839-AG-A.
Other names: c.785del, p.Gly262fs (NM_016941.4); short protein forms G262fs.
Identifiers: ClinVar variation 2865637 (VCV002865637.3), dbSNP rs35667374, ClinGen allele CA308253373.